The following is an entry in ClinVar:

ClinVar aggregate classification (germline): Likely benign. Review status: criteria provided, single submitter (1 of 4 stars). 2 submissions from 2 submitters: Likely benign (1). 1 of the submissions does not count toward it. Last evaluated 2021-10-20.

Conditions:
PIK3R2-related disorder. Also called: PIK3R2-related condition.
Megalencephaly-polymicrogyria-postaxial polydactyly-hydrocephalus syndrome. Also called: MPPH Syndrome; MEG-PMG-MEGACC SYNDROME. Identifiers: Orphanet 83473, MedGen C1863924, MONDO:0019375.

Submissions (2):

Labcorp Genetics (formerly Invitae), Labcorp
Classification: Likely benign for Megalencephaly-polymicrogyria-postaxial polydactyly-hydrocephalus syndrome. Last evaluated: 2021-10-20. Review status: criteria provided, single submitter. Criteria: Invitae Variant Classification Sherloc (09022015). Collection method: clinical testing. Allele origin: germline.

PreventionGenetics, part of Exact Sciences
Classification: Likely benign for PIK3R2-related condition. Last evaluated: 2023-08-21. Review status: no assertion criteria provided. Collection method: clinical testing. Allele origin: germline. Not counted in ClinVar's aggregate classification.
Comment: This variant is classified as likely benign based on ACMG/AMP sequence variant interpretation guidelines (Richards et al. 2015 PMID: 25741868, with internal and published modifications).

NM_005027.4(PIK3R2):c.720T>C (p.Gly240=)

Genes: PIK3R2 (phosphoinositide-3-kinase regulatory subunit 2; plus strand), LOC130063979 (ATAC-STARR-seq lymphoblastoid silent region 10375; plus strand). Cytogenetic location: 19p13.11.
Variant type: single nucleotide variant.
Coding change: c.720T>C on transcript NM_005027.4 (MANE Select); coding-DNA position 720, T replaced by C.
Protein change: p.Gly240=; no amino-acid change (glycine 240 retained).
Molecular consequence: synonymous variant. On other transcripts: non-coding transcript variant (1).
Genome position (GRCh38, 1-based): chr19:18,161,400, T>C. VCF-style: chr19-18161400-T-C. GRCh37 (hg19) VCF-style: chr19-18272210-T-C.
Other names: c.720T>C (NM_005027.3).
Identifiers: ClinVar variation 1551478 (VCV001551478.10), dbSNP rs2043744166, ClinGen allele CA506108736.